The following is an entry in ClinVar:

ClinVar aggregate classification (germline): Likely pathogenic (1 of 4 stars; one submission).

Submission:

GeneDx
Classification: Likely pathogenic. Last evaluated: 2023-11-20. Review status: criteria provided, single submitter. Criteria: GeneDx Variant Classification Process June 2021. Collection method: clinical testing. Allele origin: germline. Affected: yes.
Comment: Not observed at significant frequency in large population cohorts (gnomAD); In silico analysis supports that this missense variant has a deleterious effect on protein structure/function; This variant is associated with the following publications: (PMID: 20591885, 27011056)

NM_000138.5(FBN1):c.3781T>A (p.Tyr1261Asn)

Gene: FBN1 (fibrillin 1; minus strand). Cytogenetic location: 15q21.1.
Variant type: single nucleotide variant.
Coding change: c.3781T>A on transcript NM_000138.5 (MANE Select); coding-DNA position 3781, T replaced by A.
Protein change: p.Tyr1261Asn; replaces tyrosine 1261 with asparagine.
Molecular consequence: missense variant.
Genome position (GRCh38, 1-based): chr15:48,483,875, A>T on the plus strand (T>A on the coding strand, the complement: FBN1 is on the minus strand). VCF-style: chr15-48483875-A-T. GRCh37 (hg19) VCF-style: chr15-48776072-A-T.
Other names: c.3781T>A, p.Tyr1261Asn (NM_001406716.1); short protein forms Y1261N.
Identifiers: ClinVar variation 3340335 (VCV003340335.1).